The following is an entry in ClinVar:

ClinVar aggregate classification (germline): Uncertain significance. Review status: criteria provided, multiple submitters, no conflicts (2 of 4 stars). 2 submissions from 2 submitters: Uncertain significance (2). Last evaluated 2025-01-30.

Conditions:
Hereditary cancer-predisposing syndrome. Also called: Hereditary Cancer Syndrome; Tumor predisposition; Neoplastic Syndromes, Hereditary; Hereditary neoplastic syndrome. Identifiers: Orphanet 140162, MedGen C0027672, MeSH D009386, MONDO:0015356.
Neuroblastoma, susceptibility to, 3. Also called: ALK-Related Neuroblastic Tumor Susceptibility. Identifiers: Orphanet 635, MedGen C2751681, MONDO:0013083, OMIM 613014.

Allele frequency attached by ClinVar (database versions not stated): gnomAD exomes below 0.00001; gnomAD 0.00001.
gnomAD v4.1: 3 of 1,611,594 alleles (0.00019%); highest among the groups gnomAD compares: Admixed American, 0.0017%; no homozygotes.

Submissions (2):

Ambry Genetics
Classification: Uncertain significance for Hereditary cancer-predisposing syndrome. Last evaluated: 2025-01-30. Review status: criteria provided, single submitter. Criteria: Ambry Variant Classification Scheme 2023. Collection method: clinical testing. Allele origin: germline.
Comment: The p.D885N variant (also known as c.2653G>A), located in coding exon 16 of the ALK gene, results from a G to A substitution at nucleotide position 2653. The aspartic acid at codon 885 is replaced by asparagine, an amino acid with highly similar properties. This amino acid position is conserved. In addition, this alteration is predicted to be tolerated by in silico analysis. Since supporting evidence is limited at this time, the clinical significance of this alteration remains unclear.

Labcorp Genetics (formerly Invitae), Labcorp
Classification: Uncertain significance for Neuroblastoma, susceptibility to, 3. Last evaluated: 2023-06-04. Review status: criteria provided, single submitter. Criteria: Invitae Variant Classification Sherloc (09022015). Collection method: clinical testing. Allele origin: germline.
Comment: This sequence change replaces aspartic acid, which is acidic and polar, with asparagine, which is neutral and polar, at codon 885 of the ALK protein (p.Asp885Asn). This variant is not present in population databases (gnomAD no frequency). This variant has not been reported in the literature in individuals affected with ALK-related conditions. ClinVar contains an entry for this variant (Variation ID: 651089). An algorithm developed to predict the effect of missense changes on protein structure and function (PolyPhen-2) suggests that this variant is likely to be disruptive. In summary, the available evidence is currently insufficient to determine the role of this variant in disease. Therefore, it has been classified as a Variant of Uncertain Significance.

NM_004304.5(ALK):c.2653G>A (p.Asp885Asn)

Gene: ALK (ALK receptor tyrosine kinase; minus strand). Cytogenetic location: 2p23.2.
Variant type: single nucleotide variant.
Coding change: c.2653G>A on transcript NM_004304.5 (MANE Select); coding-DNA position 2653, G replaced by A.
Protein change: p.Asp885Asn; replaces aspartic acid 885 with asparagine.
Molecular consequence: missense variant.
Genome position (GRCh38, 1-based): chr2:29,229,046, C>T on the plus strand (G>A on the coding strand, the complement: ALK is on the minus strand). VCF-style: chr2-29229046-C-T. GRCh37 (hg19) VCF-style: chr2-29451912-C-T.
Other names: short protein forms D885N.
Identifiers: ClinVar variation 651089 (VCV000651089.12), dbSNP rs925802421, ClinGen allele CA44635403.